The following is an entry in ClinVar:

NM_000642.3(AGL):c.461-53G>C

Gene: AGL (amylo-alpha-1, 6-glucosidase, 4-alpha-glucanotransferase; plus strand). Cytogenetic location: 1p21.2.
Variant type: single nucleotide variant.
Coding change: c.461-53G>C on transcript NM_000642.3 (MANE Select); 53 bases into the intron before coding-DNA position 461, G replaced by C.
Molecular consequence: intron variant.
Genome position (GRCh38, 1-based): chr1:99,864,333, G>C. VCF-style: chr1-99864333-G-C. GRCh37 (hg19) VCF-style: chr1-100329889-G-C.
Other names: c.461-53G>C (NM_000643.3, NM_000644.3, NM_001425326.1 and 3 more transcripts); c.413-53G>C (NM_000646.3); c.460+1910G>C (NM_001425328.1, NM_001425329.1); c.83-53G>C (NM_001425332.1).
Identifiers: ClinVar variation 676092 (VCV000676092.2), dbSNP rs535461, ClinGen allele CA27563275.

ClinVar aggregate classification (germline): Benign. Review status: criteria provided, multiple submitters, no conflicts (2 of 4 stars). 2 submissions from 2 submitters: Benign (2). Last evaluated 2018-06-14.

Allele frequency attached by ClinVar (database versions not stated): gnomAD 0.72299; TOPMed 0.73916; 1000 Genomes Project 0.73962; 1000 Genomes Project 30x 0.74266.
gnomAD v4.1: 996,423 of 1,430,936 alleles (70%); highest among the groups gnomAD compares: African/African-American, 87%; 349,385 homozygotes.

Submissions (2):

GeneDx
Classification: Benign. Last evaluated: 2018-06-14. Review status: criteria provided, single submitter. Criteria: GeneDx Variant Classification (06012015). Collection method: clinical testing. Allele origin: germline. Affected: yes.
Comment: This variant is considered likely benign or benign based on one or more of the following criteria: it is a conservative change, it occurs at a poorly conserved position in the protein, it is predicted to be benign by multiple in silico algorithms, and/or has population frequency not consistent with disease.

Breakthrough Genomics
Classification: Benign. Review status: criteria provided, single submitter. Criteria: ACMG Guidelines, 2015. Collection method: not provided. Allele origin: germline. Inheritance: Autosomal recessive inheritance. Affected: yes.